The following is an entry in ClinVar:

ClinVar aggregate classification (germline): Uncertain significance. Review status: criteria provided, multiple submitters, no conflicts (2 of 4 stars). 3 submissions from 3 submitters: Uncertain significance (3). Last evaluated 2022-02-25.

Conditions:
Congenital stationary night blindness 1E. Also called: Night blindness, congenital stationary (complete), 1E, autosomal recessive. Identifiers: Orphanet 215, MedGen C3281215, MONDO:0013807, OMIM 614565.

Allele frequency attached by ClinVar (database versions not stated): gnomAD exomes below 0.00001; ExAC 0.00001.

Submissions (3):

Fulgent Genetics
Classification: Uncertain significance for Congenital stationary night blindness 1E. Last evaluated: 2022-02-25. Review status: criteria provided, single submitter. Criteria: ACMG Guidelines, 2015. Collection method: clinical testing. Allele origin: unknown.

Blueprint Genetics
Classification: Uncertain significance. Last evaluated: 2022-02-08. Review status: criteria provided, single submitter. Criteria: ACMG Guidelines, 2015. Collection method: clinical testing. Allele origin: germline.

Labcorp Genetics (formerly Invitae), Labcorp
Classification: Uncertain significance. Last evaluated: 2021-04-08. Review status: criteria provided, single submitter. Criteria: Invitae Variant Classification Sherloc (09022015). Collection method: clinical testing. Allele origin: germline.
Comment: In summary, the available evidence is currently insufficient to determine the role of this variant in disease. Therefore, it has been classified as a Variant of Uncertain Significance. This variant has not been reported in the literature in individuals with GPR179-related conditions. This variant is present in population databases (rs757044884, ExAC 0.002%). This sequence change creates a premature translational stop signal (p.Gln1154*) in the GPR179 gene. While this is not anticipated to result in nonsense mediated decay, it is expected to disrupt the last 1214 amino acid(s) of the GPR179 protein.

NM_001004334.4(GPR179):c.3460C>T (p.Gln1154Ter)

Gene: GPR179 (G protein-coupled receptor 179; minus strand). Cytogenetic location: 17q12.
Variant type: single nucleotide variant.
Coding change: c.3460C>T on transcript NM_001004334.4 (MANE Select); coding-DNA position 3460, C replaced by T.
Protein change: p.Gln1154Ter; replaces glutamine 1154 with a stop codon.
Molecular consequence: nonsense.
Genome position (GRCh38, 1-based): chr17:38,330,109, G>A on the plus strand (C>T on the coding strand, the complement: GPR179 is on the minus strand). VCF-style: chr17-38330109-G-A. GRCh37 (hg19) VCF-style: chr17-36485992-G-A.
Other names: short protein forms Q1154*.
Identifiers: ClinVar variation 1480508 (VCV001480508.8), dbSNP rs757044884, ClinGen allele CA290105079.